The following is an entry in ClinVar:

ClinVar aggregate classification (germline): Uncertain significance (1 of 4 stars; one submission).

Submission:

Labcorp Genetics (formerly Invitae), Labcorp
Classification: Uncertain significance. Last evaluated: 2025-04-20. Review status: criteria provided, single submitter. Criteria: Invitae Variant Classification Sherloc (09022015). Collection method: clinical testing. Allele origin: germline.
Comment: This sequence change replaces glutamine, which is neutral and polar, with histidine, which is basic and polar, at codon 2934 of the DMXL2 protein (p.Gln2934His). This variant is present in population databases (no rsID available, gnomAD 0.003%). This variant has not been reported in the literature in individuals affected with DMXL2-related conditions. An algorithm developed to predict the effect of missense changes on protein structure and function (PolyPhen-2) suggests that this variant is likely to be disruptive. In summary, the available evidence is currently insufficient to determine the role of this variant in disease. Therefore, it has been classified as a Variant of Uncertain Significance.

NM_001378457.1(DMXL2):c.8865G>T (p.Gln2955His)

Genes: DMXL2 (Dmx like 2; minus strand), LOC126862131 (MED14-independent group 3 enhancer GRCh37_chr15:51741640-51742839; plus strand). Cytogenetic location: 15q21.2.
Variant type: single nucleotide variant.
Coding change: c.8865G>T on transcript NM_001378457.1 (MANE Select); coding-DNA position 8865, G replaced by T.
Protein change: p.Gln2955His; replaces glutamine 2955 with histidine.
Molecular consequence: missense variant. On other transcripts: non-coding transcript variant (2).
Genome position (GRCh38, 1-based): chr15:51,450,231, C>A on the plus strand (G>T on the coding strand, the complement: DMXL2 is on the minus strand). VCF-style: chr15-51450231-C-A. GRCh37 (hg19) VCF-style: chr15-51742428-C-A.
Other names: c.8802G>T, p.Gln2934His (NM_001174116.3); c.6891G>T, p.Gln2297His (NM_001174117.3); c.8862G>T, p.Gln2954His (NM_001378458.1); c.8577G>T, p.Gln2859His (NM_001378459.1); c.6780G>T, p.Gln2260His (NM_001378460.1); c.8799G>T, p.Gln2933His (NM_015263.5); short protein forms Q2260H, Q2859H, Q2934H, Q2954H, Q2955H, Q2297H, Q2933H.
Identifiers: ClinVar variation 4717954 (VCV004717954.1).